The following is an entry in ClinVar:

NM_000297.4(PKD2):c.1604T>C (p.Leu535Pro)

Gene: PKD2 (polycystin 2, transient receptor potential cation channel; plus strand). Cytogenetic location: 4q22.1.
Variant type: single nucleotide variant.
Coding change: c.1604T>C on transcript NM_000297.4 (MANE Select); coding-DNA position 1604, T replaced by C.
Protein change: p.Leu535Pro; replaces leucine 535 with proline.
Molecular consequence: missense variant. On other transcripts: non-coding transcript variant (1).
Genome position (GRCh38, 1-based): chr4:88,052,046, T>C. VCF-style: chr4-88052046-T-C. GRCh37 (hg19) VCF-style: chr4-88973198-T-C.
Other names: short protein forms L535P.
Identifiers: ClinVar variation 1970054 (VCV001970054.5), dbSNP rs769071283, ClinGen allele CA3004003.

ClinVar aggregate classification (germline): Uncertain significance (1 of 4 stars; one submission).

Conditions:
Autosomal dominant polycystic kidney disease. Identifiers: Orphanet 730, MedGen C0085413, MONDO:0004691.

Allele frequency attached by ClinVar (database versions not stated): ExAC 0.00001; gnomAD exomes 0.00001; TOPMed 0.00001.
gnomAD v4.1: 8 of 1,602,544 alleles (0.0005%); highest among the groups gnomAD compares: Admixed American, 0.005%; no homozygotes.

Submission:

Labcorp Genetics (formerly Invitae), Labcorp
Classification: Uncertain significance for Autosomal dominant polycystic kidney disease. Last evaluated: 2022-07-19. Review status: criteria provided, single submitter. Criteria: Invitae Variant Classification Sherloc (09022015). Collection method: clinical testing. Allele origin: germline.
Comment: This sequence change replaces leucine, which is neutral and non-polar, with proline, which is neutral and non-polar, at codon 535 of the PKD2 protein (p.Leu535Pro). This variant is present in population databases (rs769071283, gnomAD 0.006%). This variant has not been reported in the literature in individuals affected with PKD2-related conditions. Algorithms developed to predict the effect of missense changes on protein structure and function (SIFT, PolyPhen-2, Align-GVGD) all suggest that this variant is likely to be tolerated. In summary, the available evidence is currently insufficient to determine the role of this variant in disease. Therefore, it has been classified as a Variant of Uncertain Significance.